The following is an entry in ClinVar:

ClinVar aggregate classification (germline): Uncertain significance. Review status: criteria provided, multiple submitters, no conflicts (2 of 4 stars). 2 submissions from 2 submitters: Uncertain significance (2). Last evaluated 2025-04-22.

Conditions:
Inborn genetic diseases. Identifiers: MedGen C0950123, MeSH D030342.

Submissions (2):

Ambry Genetics
Classification: Uncertain significance for Inborn genetic diseases. Last evaluated: 2025-04-22. Review status: criteria provided, single submitter. Criteria: Ambry Variant Classification Scheme 2023. Collection method: clinical testing. Allele origin: germline.
Comment: The c.-1C>A variant is located in the 5' untranslated region (5&rsquo; UTR) of the CEBPA gene. This variant results from a C to A substitution 1 bases upstream from the first translated codon. This nucleotide position is well conserved in available vertebrate species. Based on the available evidence, the clinical significance of this variant remains unclear.

GeneDx
Classification: Uncertain significance. Last evaluated: 2022-09-30. Review status: criteria provided, single submitter. Criteria: GeneDx Variant Classification Process June 2021. Collection method: clinical testing. Allele origin: germline. Affected: yes.
Comment: Not observed at significant frequency in large population cohorts (gnomAD); Has not been previously published as pathogenic or benign to our knowledge

NM_004364.5(CEBPA):c.-1C>A

Genes: CEBPA (CCAAT enhancer binding protein alpha; minus strand), LOC130064183 (ATAC-STARR-seq lymphoblastoid silent region 10495; plus strand). Cytogenetic location: 19q13.11.
Variant type: single nucleotide variant.
Coding change: c.-1C>A on transcript NM_004364.5 (MANE Select); 1 bases upstream of the start codon, C replaced by A.
Molecular consequence: 5 prime UTR variant. On other transcripts: synonymous variant (1).
Genome position (GRCh38, 1-based): chr19:33,302,415, G>T on the plus strand (C>A on the coding strand, the complement: CEBPA is on the minus strand). VCF-style: chr19-33302415-G-T. GRCh37 (hg19) VCF-style: chr19-33793321-G-T.
Other names: c.-358C>A (NM_001285829.2); c.105C>A, p.Pro35= (NM_001287424.2); c.-43C>A (NM_001287435.2).
Identifiers: ClinVar variation 2446537 (VCV002446537.2), dbSNP rs1424528575, ClinGen allele CA506913145.